The following is an entry in ClinVar:

NM_004415.4(DSP):c.2850T>G (p.Ile950Met)

Gene: DSP (desmoplakin; plus strand). Cytogenetic location: 6p24.3.
Variant type: single nucleotide variant.
Coding change: c.2850T>G on transcript NM_004415.4 (MANE Select); coding-DNA position 2850, T replaced by G.
Protein change: p.Ile950Met; replaces isoleucine 950 with methionine.
Molecular consequence: missense variant.
Genome position (GRCh38, 1-based): chr6:7,577,015, T>G. VCF-style: chr6-7577015-T-G. GRCh37 (hg19) VCF-style: chr6-7577248-T-G.
Other names: c.2850T>G, p.Ile950Met (NM_001008844.3, NM_001319034.2); c.2850T>G (NM_004415.3); short protein forms I950M.
Identifiers: ClinVar variation 163258 (VCV000163258.19), dbSNP rs727502999, ClinGen allele CA005652.

ClinVar aggregate classification (germline): Conflicting classifications of pathogenicity. Review status: criteria provided, conflicting classifications (1 of 4 stars). 7 submissions from 7 submitters: Uncertain significance (6); Likely benign (1). Last evaluated 2026-03-24.

Conditions:
Cardiovascular phenotype. Identifiers: MedGen CN230736.
DSP-related disorder. Also called: DSP-related condition; DSP-related disorders.
Arrhythmogenic cardiomyopathy with wooly hair and keratoderma. Also called: Dilated cardiomyopathy with woolly hair and keratoderma; Carvajal syndrome; PALMOPLANTAR KERATODERMA WITH LEFT VENTRICULAR CARDIOMYOPATHY AND WOOLLY HAIR; Arrhythmogenic cardiomyopathy with woolly hair and keratoderma. Identifiers: Orphanet 65282, MedGen C1854063, MONDO:0011581, OMIM 605676.
Keratosis palmoplantaris striata 2. Also called: KERATODERMA, PALMOPLANTAR, STRIATE FORM II; STRIATE PALMOPLANTAR KERATODERMA II; Keratosis palmoplantaris striata II. Identifiers: MedGen C1852127, MONDO:0013034, OMIM 612908.
Cardiomyopathy, dilated, with wooly hair, keratoderma, and tooth agenesis. Also called: Cardiomyopathy, dilated, with woolly hair, keratoderma, and tooth agenesis; Erythrokeratodermia-cardiomyopathy syndrome. Identifiers: Orphanet 476096, Orphanet 65282, MedGen C4014393, MONDO:0014355, OMIM 615821.
Lethal acantholytic epidermolysis bullosa (EBLA). Identifiers: Orphanet 158687, MedGen C1864826, MONDO:0012323, OMIM 609638.
Woolly hair-skin fragility syndrome (WHSF). Identifiers: Orphanet 293165, MedGen C1843292, MONDO:0957307, OMIM 620415.
Arrhythmogenic right ventricular dysplasia 8 (ARVD8). Also called: Arrhythmogenic Right Ventricular Dysplasia/Cardiomyopathy 8; ARRHYTHMOGENIC RIGHT VENTRICULAR DYSPLASIA, FAMILIAL, 8; ARRHYTHMOGENIC RIGHT VENTRICULAR CARDIOMYOPATHY 8. Identifiers: MedGen C1843896, MONDO:0011831, OMIM 607450.
Cardiomyopathy (CMYO). Also called: Cardiomyopathies. Identifiers: Orphanet 167848, MedGen C0878544, MONDO:0004994, HP:0001638. Inheritance: Various modes of inheritance.

Allele frequency attached by ClinVar (database versions not stated): gnomAD exomes below 0.00001; ExAC 0.00001; gnomAD 0.00001; TOPMed 0.00002.
gnomAD v4.1: 4 of 1,612,598 alleles (0.00025%); highest among the groups gnomAD compares: African/African-American, 0.0053%; no homozygotes.

Submissions (7):

PreventionGenetics, part of Exact Sciences
Classification: Uncertain significance for DSP-related condition. Last evaluated: 2026-03-24. Review status: criteria provided, single submitter. Criteria: ACMG Guidelines, 2015. Collection method: clinical testing. Allele origin: germline.
Comment: The DSP c.2850T>G variant is predicted to result in the amino acid substitution p.Ile950Met. To our knowledge, this variant has not been reported in the literature. This variant is reported in 0.0062% of alleles in individuals of African descent in gnomAD. At this time, the clinical significance of this variant is uncertain due to the absence of conclusive functional and genetic evidence.

Labcorp Genetics (formerly Invitae), Labcorp
Classification: Likely benign for Arrhythmogenic cardiomyopathy with wooly hair and keratoderma; Arrhythmogenic right ventricular dysplasia 8. Last evaluated: 2026-01-11. Review status: criteria provided, single submitter. Criteria: Invitae Variant Classification Sherloc (09022015). Collection method: clinical testing. Allele origin: germline.

Ambry Genetics
Classification: Uncertain significance for Cardiovascular phenotype. Last evaluated: 2024-09-02. Review status: criteria provided, single submitter. Criteria: Ambry Variant Classification Scheme 2023. Collection method: clinical testing. Allele origin: germline.
Comment: The p.I950M variant (also known as c.2850T>G), located in coding exon 20 of the DSP gene, results from a T to G substitution at nucleotide position 2850. The isoleucine at codon 950 is replaced by methionine, an amino acid with highly similar properties. This amino acid position is poorly conserved in available vertebrate species. In addition, this alteration is predicted to be tolerated by in silico analysis. Since supporting evidence is limited at this time, the clinical significance of this alteration remains unclear.

All of Us Research Program, National Institutes of Health
Classification: Uncertain significance for Arrhythmogenic cardiomyopathy with wooly hair and keratoderma. Last evaluated: 2024-08-06. Review status: criteria provided, single submitter. Criteria: ACMG Guidelines, 2015. Collection method: clinical testing. Allele origin: germline. Inheritance: Autosomal dominant inheritance. Observed: 2 variant alleles, 2 heterozygotes.
Comment: This missense variant replaces isoleucine with methionine at codon 950 of the DSP protein. Computational prediction suggests that this variant may not impact protein structure and function (internally defined REVEL score threshold <= 0.5, PMID: 27666373). To our knowledge, functional studies have not been reported for this variant. This variant has not been reported in individuals affected with cardiovascular disorders in the literature. This variant has been identified in 1/250032 chromosomes in the general population by the Genome Aggregation Database (gnomAD). The available evidence is insufficient to determine the role of this variant in disease conclusively. Therefore, this variant is classified as a Variant of Uncertain Significance.

This study involves interpretation of variants in research participants for the purpose of population health screening. Participant phenotype was not available at the time of variant classification. Additional details can be found in publication PMID: 35346344, PMCID: PMC8962531

Color Diagnostics, LLC DBA Color Health
Classification: Uncertain significance for Cardiomyopathy. Last evaluated: 2023-11-08. Review status: criteria provided, single submitter. Criteria: ACMG Guidelines, 2015. Collection method: clinical testing. Allele origin: germline.
Comment: This missense variant replaces isoleucine with methionine at codon 950 of the DSP protein. Computational prediction suggests that this variant may not impact protein structure and function (internally defined REVEL score threshold <= 0.5, PMID: 27666373). To our knowledge, functional studies have not been reported for this variant. This variant has not been reported in individuals affected with cardiovascular disorders in the literature. This variant has been identified in 1/250032 chromosomes in the general population by the Genome Aggregation Database (gnomAD). The available evidence is insufficient to determine the role of this variant in disease conclusively. Therefore, this variant is classified as a Variant of Uncertain Significance.

Fulgent Genetics
Classification: Uncertain significance for Arrhythmogenic cardiomyopathy with wooly hair and keratoderma; Arrhythmogenic right ventricular dysplasia 8; Lethal acantholytic epidermolysis bullosa; Keratosis palmoplantaris striata 2; Cardiomyopathy, dilated, with wooly hair, keratoderma, and tooth agenesis. Last evaluated: 2021-09-14. Review status: criteria provided, single submitter. Criteria: ACMG Guidelines, 2015. Collection method: clinical testing. Allele origin: unknown.

Laboratory for Molecular Medicine, Mass General Brigham Personalized Medicine
Classification: Uncertain significance. Last evaluated: 2013-09-18. Review status: criteria provided, single submitter. Criteria: LMM Criteria. Collection method: clinical testing. Allele origin: germline. Observed: 1 variant allele.
Comment: Ile950Met variant in DSP has not been previously reported in individuals with ca rdiomyopathy or in large population studies. Computational analyses (biochemical amino acid properties, conservation, AlignGVGD, PolyPhen2, and SIFT) suggest th at the Ile950Met variant may not impact the protein, though this information is not predictive enough to rule out pathogenicity. Additional information is neede d to fully assess the clinical significance of the Ile950Met variant.